The following is an entry in ClinVar:

NM_020911.2(PLXNA4):c.814A>G (p.Lys272Glu)

Gene: PLXNA4 (plexin A4; minus strand). Cytogenetic location: 7q32.3.
Variant type: single nucleotide variant.
Coding change: c.814A>G on transcript NM_020911.2 (MANE Select); coding-DNA position 814, A replaced by G.
Protein change: p.Lys272Glu; replaces lysine 272 with glutamic acid.
Molecular consequence: missense variant.
Genome position (GRCh38, 1-based): chr7:132,507,880, T>C on the plus strand (A>G on the coding strand, the complement: PLXNA4 is on the minus strand). VCF-style: chr7-132507880-T-C. GRCh37 (hg19) VCF-style: chr7-132192639-T-C.
Other names: c.814A>G, p.Lys272Glu (NM_001105543.2, NM_001393897.1, NM_181775.4); short protein forms K272E.
Identifiers: ClinVar variation 4986052 (VCV004986052.1).
Genomic context (GRCh38, chr7:132,507,880, plus strand): 5'-AGTTGAAGGCTGTGTCCTCCTTGCAAAGCCTCACGAGCTTGGATGTATACACCTGCTCCT[T>C]GGTGGTGGAGCCTGGTGGAGACACCATCTCAGGTTGGAGGGTCAAAAAGTAGACAAAGTT-3'
Protein context (NP_065962.1, residues 262-282): EMVSPPGSTT[Lys272Glu]EQVYTSKLVR

ClinVar aggregate classification (germline): Uncertain significance (1 of 4 stars; one submission).

Conditions:
PLXNA4-related disorder. Also called: PLXNA4-related condition.

gnomAD v4.1: 42 of 1,614,044 alleles (0.0026%); highest among the groups gnomAD compares: Admixed American, 0.068%; no homozygotes.

Submission:

PreventionGenetics, part of Exact Sciences
Classification: Uncertain significance for PLXNA4-related condition. Last evaluated: 2024-12-23. Review status: criteria provided, single submitter. Criteria: ACMG Guidelines, 2015. Collection method: clinical testing. Allele origin: germline.
Comment: The PLXNA4 c.814A>G variant is predicted to result in the amino acid substitution p.Lys272Glu. To our knowledge, this variant has not been reported in the literature. This variant is reported in 0.041% of alleles in individuals of Latino descent in gnomAD. At this time, the clinical significance of this variant is uncertain due to the absence of conclusive functional and genetic evidence.